The following is an entry in ClinVar:

ClinVar aggregate classification (germline): Uncertain significance (1 of 4 stars; one submission).

gnomAD v4.1: 4 of 1,613,998 alleles (0.00025%); highest among the groups gnomAD compares: Middle Eastern, 0.017%; no homozygotes.

Submission:

Labcorp Genetics (formerly Invitae), Labcorp
Classification: Uncertain significance. Last evaluated: 2025-08-09. Review status: criteria provided, single submitter. Criteria: Invitae Variant Classification Sherloc (09022015). Collection method: clinical testing. Allele origin: germline.
Comment: This sequence change replaces arginine, which is basic and polar, with glycine, which is neutral and non-polar, at codon 552 of the DHX37 protein (p.Arg552Gly). This variant is present in population databases (no rsID available, gnomAD 0.0009%). This variant has not been reported in the literature in individuals affected with DHX37-related conditions. An algorithm developed to predict the effect of missense changes on protein structure and function (PolyPhen-2) suggests that this variant is likely to be tolerated. In summary, the available evidence is currently insufficient to determine the role of this variant in disease. Therefore, it has been classified as a Variant of Uncertain Significance.

NM_032656.4(DHX37):c.1654A>G (p.Arg552Gly)

Gene: DHX37 (DEAH-box helicase 37; minus strand). Cytogenetic location: 12q24.31.
Variant type: single nucleotide variant.
Coding change: c.1654A>G on transcript NM_032656.4 (MANE Select); coding-DNA position 1654, A replaced by G.
Protein change: p.Arg552Gly; replaces arginine 552 with glycine.
Molecular consequence: missense variant.
Genome position (GRCh38, 1-based): chr12:124,965,749, T>C on the plus strand (A>G on the coding strand, the complement: DHX37 is on the minus strand). VCF-style: chr12-124965749-T-C. GRCh37 (hg19) VCF-style: chr12-125450295-T-C.
Other names: short protein forms R552G.
Identifiers: ClinVar variation 4760264 (VCV004760264.1).